The following is an entry in ClinVar:

NM_024649.5(BBS1):c.1614del (p.Leu539fs)

Genes: BBS1 (Bardet-Biedl syndrome 1; plus strand), ZDHHC24 (zDHHC palmitoyltransferase 24; minus strand). Cytogenetic location: 11q13.2.
Variant type: Deletion.
Coding change: c.1614del on transcript NM_024649.5 (MANE Select); coding-DNA position 1614, one base deleted (C; older notation c.1614delC).
Protein change: p.Leu539fs; shifts the reading frame from leucine 539.
Molecular consequence: frameshift variant. On other transcripts: intron variant (1).
Genome position (GRCh38, 1-based): chr11:66,531,661, C deleted; the last of 3 consecutive C bases (chr11:66,531,659-66,531,661); deleting any one gives the same sequence. VCF-style (leftmost placement, unchanged base first): chr11-66531658-AC-A. GRCh37 (hg19) VCF-style: chr11-66299129-AC-A.
Other names: c.560-2171del (NM_001348571.2); short protein forms L539fs.
Identifiers: ClinVar variation 969455 (VCV000969455.11), dbSNP rs1856785950, ClinGen allele CA1139662039.

ClinVar aggregate classification (germline): Pathogenic/Likely pathogenic. Review status: criteria provided, multiple submitters, no conflicts (2 of 4 stars). 2 submissions from 2 submitters: Pathogenic (1); Likely pathogenic (1). Last evaluated 2023-09-03.

Conditions:
Bardet-Biedl syndrome (BBS). Identifiers: Orphanet 110, MedGen C0752166, MONDO:0015229.

Submissions (2):

Labcorp Genetics (formerly Invitae), Labcorp
Classification: Pathogenic for Bardet-Biedl syndrome. Last evaluated: 2023-09-03. Review status: criteria provided, single submitter. Criteria: Invitae Variant Classification Sherloc (09022015). Collection method: clinical testing. Allele origin: germline.
Comment: This sequence change creates a premature translational stop signal (p.Leu539Cysfs*40) in the BBS1 gene. While this is not anticipated to result in nonsense mediated decay, it is expected to disrupt the last 55 amino acid(s) of the BBS1 protein. This variant is not present in population databases (gnomAD no frequency). This premature translational stop signal has been observed in individual(s) with BBS1-related conditions (PMID: 25170860, 29099798). ClinVar contains an entry for this variant (Variation ID: 969455). This variant disrupts a region of the BBS1 protein in which other variant(s) (p.Leu548Trpfs*31) have been determined to be pathogenic (PMID: 12677556, 12837689). This suggests that this is a clinically significant region of the protein, and that variants that disrupt it are likely to be disease-causing. For these reasons, this variant has been classified as Pathogenic.

GeneDx
Classification: Likely pathogenic. Last evaluated: 2022-07-13. Review status: criteria provided, single submitter. Criteria: GeneDx Variant Classification Process June 2021. Collection method: clinical testing. Allele origin: germline. Affected: yes.
Comment: Frameshift variant predicted to result in protein truncation, as the last 55 amino acids are replaced with 39 different amino acids, and other loss-of-function variants have been reported downstream in HGMD; Not observed at significant frequency in large population cohorts (gnomAD); Identified in an individual in published literature with a clinical diagnosis of Bardet-Biedl syndrome who also harbored a second pathogenic variant in BBS1, although the phase of these two variants was not confirmed (Denniston et al., 2014); This variant is associated with the following publications: (PMID: 25170860, 29099798)

Literature cited by the submitters: PubMed 25170860 (cited by Labcorp Genetics (formerly Invitae), Labcorp); PubMed 29099798 (cited by Labcorp Genetics (formerly Invitae), Labcorp); PubMed 12677556 (cited by Labcorp Genetics (formerly Invitae), Labcorp); PubMed 12837689 (cited by Labcorp Genetics (formerly Invitae), Labcorp).